The following is an entry in ClinVar:

NM_006231.4(POLE):c.3194G>A (p.Gly1065Glu)

Gene: POLE (DNA polymerase epsilon, catalytic subunit; minus strand). Cytogenetic location: 12q24.33.
Variant type: single nucleotide variant.
Coding change: c.3194G>A on transcript NM_006231.4 (MANE Select); coding-DNA position 3194, G replaced by A.
Protein change: p.Gly1065Glu; replaces glycine 1065 with glutamic acid.
Molecular consequence: missense variant.
Genome position (GRCh38, 1-based): chr12:132,659,376, C>T on the plus strand (G>A on the coding strand, the complement: POLE is on the minus strand). VCF-style: chr12-132659376-C-T. GRCh37 (hg19) VCF-style: chr12-133235962-C-T.
Other names: short protein forms G1065E.
Identifiers: ClinVar variation 3641630 (VCV003641630.2).
Genomic context (GRCh38, chr12:132,659,376, plus strand): 5'-TCGGGCTTGCGGGAGATGATGTAGCGGCAACTCAGCCCTGCATCCTTGACCATCTGGTCT[C>T]CCAGGAACTCGGCCAGGCGCTTTGCTGTGCTGATGGACGTAGACTTCTGCTCCCCGTAAT-3'
Protein context (NP_006222.2, residues 1055-1075): STAKRLAEFL[Gly1065Glu]DQMVKDAGLS

ClinVar aggregate classification (germline): Uncertain significance (1 of 4 stars; one submission).

Submission:

Labcorp Genetics (formerly Invitae), Labcorp
Classification: Uncertain significance. Last evaluated: 2024-02-17. Review status: criteria provided, single submitter. Criteria: Invitae Variant Classification Sherloc (09022015). Collection method: clinical testing. Allele origin: germline.
Comment: This sequence change replaces glycine, which is neutral and non-polar, with glutamic acid, which is acidic and polar, at codon 1065 of the POLE protein (p.Gly1065Glu). This variant is not present in population databases (gnomAD no frequency). This variant has not been reported in the literature in individuals affected with POLE-related conditions. Advanced modeling of protein sequence and biophysical properties (such as structural, functional, and spatial information, amino acid conservation, physicochemical variation, residue mobility, and thermodynamic stability) performed at Invitae indicates that this missense variant is expected to disrupt POLE protein function with a positive predictive value of 80%. In summary, the available evidence is currently insufficient to determine the role of this variant in disease. Therefore, it has been classified as a Variant of Uncertain Significance.